The following is an entry in ClinVar:

ClinVar aggregate classification (germline): Uncertain significance (1 of 4 stars; one submission).

Conditions:
Hereditary nonpolyposis colorectal neoplasms. Identifiers: MedGen C0009405, MeSH D003123.

Submission:

Labcorp Genetics (formerly Invitae), Labcorp
Classification: Uncertain significance for Hereditary nonpolyposis colorectal neoplasms. Last evaluated: 2023-06-27. Review status: criteria provided, single submitter. Criteria: Invitae Variant Classification Sherloc (09022015). Collection method: clinical testing. Allele origin: germline.
Comment: In summary, the available evidence is currently insufficient to determine the role of this variant in disease. Therefore, it has been classified as a Variant of Uncertain Significance. Advanced modeling of protein sequence and biophysical properties (such as structural, functional, and spatial information, amino acid conservation, physicochemical variation, residue mobility, and thermodynamic stability) has been performed at Invitae for this missense variant, however the output from this modeling did not meet the statistical confidence thresholds required to predict the impact of this variant on MSH6 protein function. This variant has not been reported in the literature in individuals affected with MSH6-related conditions. This variant is not present in population databases (gnomAD no frequency). This sequence change replaces glycine, which is neutral and non-polar, with glutamic acid, which is acidic and polar, at codon 443 of the MSH6 protein (p.Gly443Glu).

NM_000179.3(MSH6):c.1328G>A (p.Gly443Glu)

Gene: MSH6 (mutS homolog 6; plus strand). Cytogenetic location: 2p16.3.
Variant type: single nucleotide variant.
Coding change: c.1328G>A on transcript NM_000179.3 (MANE Select); coding-DNA position 1328, G replaced by A.
Protein change: p.Gly443Glu; replaces glycine 443 with glutamic acid.
Molecular consequence: missense variant. On other transcripts: non-coding transcript variant (4), intron variant (1).
Genome position (GRCh38, 1-based): chr2:47,799,311, G>A. VCF-style: chr2-47799311-G-A. GRCh37 (hg19) VCF-style: chr2-48026450-G-A.
Other names: c.938G>A, p.Gly313Glu (NM_001281492.2); c.422G>A, p.Gly141Glu (NM_001281493.2, NM_001281494.2, NM_001406815.1 and 6 more transcripts); c.1424G>A, p.Gly475Glu (NM_001406795.1, NM_001406802.1); c.1328G>A, p.Gly443Glu (NM_001406796.1, NM_001406798.1, NM_001406800.1 and 4 more transcripts); c.1031G>A, p.Gly344Glu (NM_001406797.1, NM_001406801.1, NM_001406818.1 and 10 more transcripts); c.803G>A, p.Gly268Glu (NM_001406799.1, NM_001406806.1, NM_001406807.1); c.1160G>A, p.Gly387Glu (NM_001406826.1); c.628-1355G>A (NM_001407362.1); and 2 more; short protein forms G141E, G387E, G443E, G475E, G268E, G313E, G445E, G344E.
Identifiers: ClinVar variation 2731119 (VCV002731119.3), dbSNP rs1553412757, ClinGen allele CA346744498.
Genomic context (GRCh38, chr2:47,799,311, plus strand): 5'-TTGTCATCTGTTACAAGGTGGGGAAATTTTATGAGCTGTACCACATGGATGCTCTTATTG[G>A]AGTCAGTGAACTGGGGCTGGTATTCATGAAAGGCAACTGGGCCCATTCTGGCTTTCCTGA-3'
Protein context (NP_000170.1, residues 433-453): YELYHMDALI[Gly443Glu]VSELGLVFMK